The following is an entry in ClinVar:

ClinVar aggregate classification (germline): Uncertain significance (1 of 4 stars; one submission).

Allele frequency attached by ClinVar (database versions not stated): gnomAD exomes below 0.00001.
gnomAD v4.1: 2 of 1,613,678 alleles (0.00012%); highest among the groups gnomAD compares: Non-Finnish European, 0.000085%; no homozygotes.

Submission:

Labcorp Genetics (formerly Invitae), Labcorp
Classification: Uncertain significance. Last evaluated: 2022-07-05. Review status: criteria provided, single submitter. Criteria: Invitae Variant Classification Sherloc (09022015). Collection method: clinical testing. Allele origin: germline.
Comment: This variant is not present in population databases (gnomAD no frequency). Algorithms developed to predict the effect of missense changes on protein structure and function output the following: SIFT: "Tolerated"; PolyPhen-2: "Benign"; Align-GVGD: "Class C0". The arginine amino acid residue is found in multiple mammalian species, which suggests that this missense change does not adversely affect protein function. ClinVar contains an entry for this variant (Variation ID: 1436859). This variant has not been reported in the literature in individuals affected with MPDZ-related conditions. This sequence change replaces histidine, which is basic and polar, with arginine, which is basic and polar, at codon 1357 of the MPDZ protein (p.His1357Arg). In summary, the available evidence is currently insufficient to determine the role of this variant in disease. Therefore, it has been classified as a Variant of Uncertain Significance.

NM_001378778.1(MPDZ):c.4070A>G (p.His1357Arg)

Gene: MPDZ (multiple PDZ domain crumbs cell polarity complex component; minus strand). Cytogenetic location: 9p23.
Variant type: single nucleotide variant.
Coding change: c.4070A>G on transcript NM_001378778.1 (MANE Select); coding-DNA position 4070, A replaced by G.
Protein change: p.His1357Arg; replaces histidine 1357 with arginine.
Molecular consequence: missense variant.
Genome position (GRCh38, 1-based): chr9:13,138,087, T>C on the plus strand (A>G on the coding strand, the complement: MPDZ is on the minus strand). VCF-style: chr9-13138087-T-C. GRCh37 (hg19) VCF-style: chr9-13138086-T-C.
Other names: c.3860A>G, p.His1287Arg (NM_001375421.1, NM_001375422.1, NM_001375423.1 and 4 more transcripts); c.3662A>G, p.His1221Arg (NM_001375427.1); c.4070A>G, p.His1357Arg (NM_003829.5, NM_001330637.2, NM_001375413.1); c.3971A>G, p.His1324Arg (NM_001261406.2, NM_001261407.2, NM_001375416.1 and 3 more transcripts); short protein forms H1324R, H1357R, H1221R, H1287R.
Identifiers: ClinVar variation 1436859 (VCV001436859.6), dbSNP rs2132359556, ClinGen allele CA372949300.